The following is an entry in ClinVar:

ClinVar aggregate classification (germline): Uncertain significance (1 of 4 stars; one submission).

Submission:

Dasa
Classification: Uncertain significance. Last evaluated: 2024-12-18. Review status: criteria provided, single submitter. Criteria: DASA Assertion Criteria. Collection method: clinical testing. Allele origin: germline.
Comment: NM_003482.4(KMT2D):c.7496C>T (p.Pro2499Leu) is a missense variant that results in the substitution of proline with leucine. This variant is rare in population databases. The currently available literature and clinical evidence are not sufficient to establish a definitive association between this variant and the reported condition. Therefore, this variant is classified as a variant of uncertain significance.

NM_003482.4(KMT2D):c.7496C>T (p.Pro2499Leu)

Gene: KMT2D (lysine methyltransferase 2D; minus strand). Cytogenetic location: 12q13.12.
Variant type: single nucleotide variant.
Coding change: c.7496C>T on transcript NM_003482.4 (MANE Select); coding-DNA position 7496, C replaced by T.
Protein change: p.Pro2499Leu; replaces proline 2499 with leucine.
Molecular consequence: missense variant.
Genome position (GRCh38, 1-based): chr12:49,040,274, G>A on the plus strand (C>T on the coding strand, the complement: KMT2D is on the minus strand). VCF-style: chr12-49040274-G-A. GRCh37 (hg19) VCF-style: chr12-49434057-G-A.
Other names: short protein forms P2499L.
Identifiers: ClinVar variation 4882758 (VCV004882758.2).